The following is an entry in ClinVar:

ClinVar aggregate classification (germline): Likely benign. Review status: criteria provided, single submitter (1 of 4 stars). 3 submissions from 3 submitters: Likely benign (1). 2 of the submissions do not count toward it. Last evaluated 2026-01-11.

Conditions:
Alport syndrome. Also called: Hemorrhagic familial nephritis; Hemorrhagic hereditary nephritis; Congenital hereditary hematuria. Identifiers: Orphanet 63, MedGen C1567741, MONDO:0018965.
COL4A4-related disorder.

Allele frequency attached by ClinVar (database versions not stated): TOPMed 0.00002; gnomAD 0.00003.
gnomAD v4.1: 16 of 1,613,702 alleles (0.00099%); highest among the groups gnomAD compares: East Asian, 0.031%; no homozygotes.

Submissions (3):

Labcorp Genetics (formerly Invitae), Labcorp
Classification: Likely benign. Last evaluated: 2026-01-11. Review status: criteria provided, single submitter. Criteria: Invitae Variant Classification Sherloc (09022015). Collection method: clinical testing. Allele origin: germline.

PreventionGenetics, part of Exact Sciences
Classification: Likely benign for COL4A4-related condition. Last evaluated: 2021-01-13. Review status: no assertion criteria provided. Collection method: clinical testing. Allele origin: germline. Not counted in ClinVar's aggregate classification.
Comment: This variant is classified as likely benign based on ACMG/AMP sequence variant interpretation guidelines (Richards et al. 2015 PMID: 25741868, with internal and published modifications).

Natera, Inc.
Classification: Likely benign for Alport syndrome. Last evaluated: 2020-05-02. Review status: no assertion criteria provided. Collection method: clinical testing. Allele origin: germline. Not counted in ClinVar's aggregate classification.

NM_000092.5(COL4A4):c.3450T>A (p.Pro1150=)

Gene: COL4A4 (collagen type IV alpha 4 chain; minus strand). Cytogenetic location: 2q36.3.
Variant type: single nucleotide variant.
Coding change: c.3450T>A on transcript NM_000092.5 (MANE Select); coding-DNA position 3450, T replaced by A.
Protein change: p.Pro1150=; no amino-acid change (proline 1150 retained).
Molecular consequence: synonymous variant.
Genome position (GRCh38, 1-based): chr2:227,042,203, A>T on the plus strand (T>A on the coding strand, the complement: COL4A4 is on the minus strand). VCF-style: chr2-227042203-A-T. GRCh37 (hg19) VCF-style: chr2-227906919-A-T.
Identifiers: ClinVar variation 797277 (VCV000797277.14), dbSNP rs751859861, ClinGen allele CA2144531.